The following is an entry in ClinVar:

NM_000303.3(PMM2):c.363A>T (p.Glu121Asp)

Gene: PMM2 (phosphomannomutase 2; plus strand). Cytogenetic location: 16p13.2.
Variant type: single nucleotide variant.
Coding change: c.363A>T on transcript NM_000303.3 (MANE Select); coding-DNA position 363, A replaced by T.
Protein change: p.Glu121Asp; replaces glutamic acid 121 with aspartic acid.
Molecular consequence: missense variant.
Genome position (GRCh38, 1-based): chr16:8,811,094, A>T. VCF-style: chr16-8811094-A-T. GRCh37 (hg19) VCF-style: chr16-8904951-A-T.
Other names: short protein forms E121D.
Identifiers: ClinVar variation 1383226 (VCV001383226.6), dbSNP rs2141022972, ClinGen allele CA394696522.

ClinVar aggregate classification (germline): Uncertain significance (1 of 4 stars; one submission).

Conditions:
PMM2-congenital disorder of glycosylation. Also called: Congenital disorder of glycosylation, type Ia; PHOSPHOMANNOMUTASE 2 DEFICIENCY; CARBOHYDRATE-DEFICIENT GLYCOPROTEIN SYNDROME, TYPE Ia; CDG Ia; PMM2-CDG; JAEKEN SYNDROME. Identifiers: Orphanet 79318, MedGen C0349653, MONDO:0008907, OMIM 212065.

Submission:

Labcorp Genetics (formerly Invitae), Labcorp
Classification: Uncertain significance for PMM2-congenital disorder of glycosylation. Last evaluated: 2021-12-10. Review status: criteria provided, single submitter. Criteria: Invitae Variant Classification Sherloc (09022015). Collection method: clinical testing. Allele origin: germline.
Comment: In summary, the available evidence is currently insufficient to determine the role of this variant in disease. Therefore, it has been classified as a Variant of Uncertain Significance. Algorithms developed to predict the effect of missense changes on protein structure and function (SIFT, PolyPhen-2, Align-GVGD) all suggest that this variant is likely to be disruptive. This variant has not been reported in the literature in individuals affected with PMM2-related conditions. This variant is not present in population databases (gnomAD no frequency). This sequence change replaces glutamic acid, which is acidic and polar, with aspartic acid, which is acidic and polar, at codon 121 of the PMM2 protein (p.Glu121Asp).